The following is an entry in ClinVar:

NM_001079520.2(DACT1):c.1678G>T (p.Gly560Cys)

Gene: DACT1 (dishevelled binding antagonist of beta catenin 1; plus strand). Cytogenetic location: 14q23.1.
Variant type: single nucleotide variant.
Coding change: c.1678G>T on transcript NM_001079520.2 (MANE Select); coding-DNA position 1678, G replaced by T.
Protein change: p.Gly560Cys; replaces glycine 560 with cysteine.
Molecular consequence: missense variant. On other transcripts: non-coding transcript variant (5).
Genome position (GRCh38, 1-based): chr14:58,646,412, G>T. VCF-style: chr14-58646412-G-T. GRCh37 (hg19) VCF-style: chr14-59113130-G-T.
Other names: c.1789G>T, p.Gly597Cys (NM_016651.6); short protein forms G560C, G597C.
Identifiers: ClinVar variation 3345878 (VCV003345878.1).

ClinVar aggregate classification (germline): Uncertain significance (0 of 4 stars; one submission).

Conditions:
DACT1-related disorder. Also called: DACT1-related condition.

gnomAD v4.1: 1 of 1,600,706 alleles (0.000062%); highest among the groups gnomAD compares: African/African-American, 0.0014%; no homozygotes.

Submission:

PreventionGenetics, part of Exact Sciences
Classification: Uncertain significance for DACT1-related condition. Last evaluated: 2024-07-10. Review status: no assertion criteria provided. Collection method: clinical testing. Allele origin: germline.
Comment: The DACT1 c.1789G>T variant is predicted to result in the amino acid substitution p.Gly597Cys. To our knowledge, this variant has not been reported in the literature. This variant is reported in 0.0071% of alleles in individuals of African descent in gnomAD. At this time, the clinical significance of this variant is uncertain due to the absence of conclusive functional and genetic evidence.